The following is an entry in ClinVar:

NM_000501.4(ELN):c.1843C>T (p.Pro615Ser)

Gene: ELN (elastin; plus strand). Cytogenetic location: 7q11.23.
Variant type: single nucleotide variant.
Coding change: c.1843C>T on transcript NM_000501.4 (MANE Select); coding-DNA position 1843, C replaced by T.
Protein change: p.Pro615Ser; replaces proline 615 with serine.
Molecular consequence: missense variant.
Genome position (GRCh38, 1-based): chr7:74,063,209, C>T. VCF-style: chr7-74063209-C-T. GRCh37 (hg19) VCF-style: chr7-73477539-C-T.
Other names: c.1756C>T, p.Pro586Ser (NM_001081752.3); c.1801C>T, p.Pro601Ser (NM_001081753.3); c.1858C>T, p.Pro620Ser (NM_001081754.3); c.1786C>T, p.Pro596Ser (NM_001081755.3); c.1843C>T, p.Pro615Ser (NM_001278912.2); c.1600C>T, p.Pro534Ser (NM_001278913.2); c.1771C>T, p.Pro591Ser (NM_001278914.2); c.1861C>T, p.Pro621Ser (NM_001278915.2); and 4 more; short protein forms P534S, P586S, P605S, P620S, P526S, P596S, P615S, P591S.
Identifiers: ClinVar variation 3653418 (VCV003653418.2).

ClinVar aggregate classification (germline): Uncertain significance (1 of 4 stars; one submission).

Conditions:
Supravalvar aortic stenosis (SVAS). Also called: Supravalvar aortic stenosis, Eisenberg type. Identifiers: Orphanet 3193, MedGen C0003499, MONDO:0008504, OMIM 185500, HP:0004381.

Submission:

Labcorp Genetics (formerly Invitae), Labcorp
Classification: Uncertain significance for Supravalvar aortic stenosis. Last evaluated: 2024-05-23. Review status: criteria provided, single submitter. Criteria: Invitae Variant Classification Sherloc (09022015). Collection method: clinical testing. Allele origin: germline.
Comment: This sequence change replaces proline, which is neutral and non-polar, with serine, which is neutral and polar, at codon 677 of the ELN protein (p.Pro677Ser). This variant is not present in population databases (gnomAD no frequency). This variant has not been reported in the literature in individuals affected with ELN-related conditions. Advanced modeling of protein sequence and biophysical properties (such as structural, functional, and spatial information, amino acid conservation, physicochemical variation, residue mobility, and thermodynamic stability) performed at Invitae indicates that this missense variant is not expected to disrupt ELN protein function with a negative predictive value of 80%. In summary, the available evidence is currently insufficient to determine the role of this variant in disease. Therefore, it has been classified as a Variant of Uncertain Significance.